The following is an entry in ClinVar:

NM_000390.4(CHM):c.424G>T (p.Glu142Ter)

Genes: CHM (CHM Rab escort protein; minus strand), LOC129391306 (MPRA-validated peak7401 silencer; plus strand). Cytogenetic location: Xq21.2.
Variant type: single nucleotide variant.
Coding change: c.424G>T on transcript NM_000390.4 (MANE Select); coding-DNA position 424, G replaced by T.
Protein change: p.Glu142Ter; replaces glutamic acid 142 with a stop codon.
Molecular consequence: nonsense. On other transcripts: 5 prime UTR variant (4).
Genome position (GRCh38, 1-based): chrX:85,963,943, C>A on the plus strand (G>T on the coding strand, the complement: CHM is on the minus strand). VCF-style: chrX-85963943-C-A. GRCh37 (hg19) VCF-style: chrX-85218948-C-A.
Other names: c.-21G>T (NM_001362519.1, NM_001320959.1, NM_001362517.1 and 1 more transcripts); short protein forms E142*.
Identifiers: ClinVar variation 3673244 (VCV003673244.3).

ClinVar aggregate classification (germline): Pathogenic (1 of 4 stars; one submission).

Submissions (2):

Labcorp Genetics (formerly Invitae), Labcorp
Classification: Pathogenic. Last evaluated: 2024-07-17. Review status: criteria provided, single submitter. Criteria: Invitae Variant Classification Sherloc (09022015). Collection method: clinical testing. Allele origin: germline.
Comment: This sequence change creates a premature translational stop signal (p.Glu142*) in the CHM gene. It is expected to result in an absent or disrupted protein product. Loss-of-function variants in CHM are known to be pathogenic (PMID: 9067750, 23811034). This variant is not present in population databases (gnomAD no frequency). This variant has not been reported in the literature in individuals affected with CHM-related conditions. For these reasons, this variant has been classified as Pathogenic.

Dr. Peter K. Rogan Lab, Western University
No classification provided (evidence only). Condition: Thyroid cancer, nonmedullary, 1. Review status: no classification provided. Collection method: in vitro. Allele origin: not applicable. Functional consequence: retained intron. Not counted in ClinVar's aggregate classification.

Literature cited by the submitters: PubMed 9067750 (cited by Labcorp Genetics (formerly Invitae), Labcorp); PubMed 23811034 (cited by Labcorp Genetics (formerly Invitae), Labcorp).